The following is an entry in ClinVar:

NM_004329.3(BMPR1A):c.1082G>A (p.Arg361Gln)

Gene: BMPR1A (bone morphogenetic protein receptor type 1A; plus strand). Cytogenetic location: 10q23.2.
Variant type: single nucleotide variant.
Coding change: c.1082G>A on transcript NM_004329.3 (MANE Select); coding-DNA position 1082, G replaced by A.
Protein change: p.Arg361Gln; replaces arginine 361 with glutamine.
Molecular consequence: missense variant.
Genome position (GRCh38, 1-based): chr10:86,919,385, G>A. VCF-style: chr10-86919385-G-A. GRCh37 (hg19) VCF-style: chr10-88679142-G-A.
Other names: p.R361Q:CGA>CAA; short protein forms R361Q.
Identifiers: ClinVar variation 182070 (VCV000182070.24), dbSNP rs730881436, ClinGen allele CA298523.

ClinVar aggregate classification (germline): Conflicting classifications of pathogenicity. Review status: criteria provided, conflicting classifications (1 of 4 stars). 7 submissions from 7 submitters: Uncertain significance (6); Likely benign (1). Last evaluated 2026-04-14.

Conditions:
Juvenile polyposis syndrome (JPS). Identifiers: Orphanet 2929, MedGen C0345893, MONDO:0017380, OMIM 174900.
Hereditary cancer-predisposing syndrome. Also called: Tumor predisposition; Neoplastic Syndromes, Hereditary; Hereditary neoplastic syndrome; Hereditary Cancer Syndrome. Identifiers: Orphanet 140162, MedGen C0027672, MeSH D009386, MONDO:0015356.
Polyposis syndrome, hereditary mixed, 2. Identifiers: Orphanet 157794, MedGen C1864730, MONDO:0012405, OMIM 610069.

Allele frequency attached by ClinVar (database versions not stated): gnomAD exomes 0.00001; TOPMed 0.00001.
gnomAD v4.1: 7 of 1,612,900 alleles (0.00043%); highest among the groups gnomAD compares: South Asian, 0.0022%; no homozygotes.

Submissions (7):

Ambry Genetics
Classification: Uncertain significance for Hereditary cancer-predisposing syndrome. Last evaluated: 2026-04-14. Review status: criteria provided, single submitter. Criteria: Ambry Variant Classification Scheme 2023. Collection method: clinical testing. Allele origin: germline.
Comment: The p.R361Q variant (also known as c.1082G>A), located in coding exon 8 of the BMPR1A gene, results from a G to A substitution at nucleotide position 1082. The arginine at codon 361 is replaced by glutamine, an amino acid with highly similar properties. This amino acid position is highly conserved in available vertebrate species. In addition, this alteration is predicted to be deleterious by in silico analysis. Since supporting evidence is limited at this time, the clinical significance of this alteration remains unclear.

Labcorp Genetics (formerly Invitae), Labcorp
Classification: Uncertain significance for Juvenile polyposis syndrome. Last evaluated: 2025-11-16. Review status: criteria provided, single submitter. Criteria: Invitae Variant Classification Sherloc (09022015). Collection method: clinical testing. Allele origin: germline.
Comment: This sequence change replaces arginine, which is basic and polar, with glutamine, which is neutral and polar, at codon 361 of the BMPR1A protein (p.Arg361Gln). This variant is not present in population databases (gnomAD no frequency). This missense change has been observed in individual(s) with clinical features of BMPR1A-related conditions (PMID: 39020067). ClinVar contains an entry for this variant (Variation ID: 182070). Invitae Evidence Modeling incorporating data from in vitro experimental studies (internal data) indicates that this missense variant is not expected to disrupt BMPR1A function with a negative predictive value of 95%. In summary, the available evidence is currently insufficient to determine the role of this variant in disease. Therefore, it has been classified as a Variant of Uncertain Significance.

GeneDx
Classification: Uncertain significance. Last evaluated: 2025-01-12. Review status: criteria provided, single submitter. Criteria: GeneDx Variant Classification Process June 2021. Collection method: clinical testing. Allele origin: germline. Affected: yes.
Comment: Not observed at significant frequency in large population cohorts (gnomAD); In silico analysis supports that this missense variant has a deleterious effect on protein structure/function; Has not been previously published as pathogenic or benign to our knowledge

Blueprint Genetics
Classification: Likely benign. Last evaluated: 2023-09-11. Review status: criteria provided, single submitter. Criteria: ACMG Guidelines, 2015. Collection method: clinical testing. Allele origin: germline.

Baylor Genetics
Classification: Uncertain significance for Polyposis syndrome, hereditary mixed, 2. Last evaluated: 2023-07-14. Review status: criteria provided, single submitter. Criteria: ACMG Guidelines, 2015. Collection method: clinical testing. Allele origin: unknown.

Color Diagnostics, LLC DBA Color Health
Classification: Uncertain significance for Hereditary cancer-predisposing syndrome. Last evaluated: 2021-11-12. Review status: criteria provided, single submitter. Criteria: ACMG Guidelines, 2015. Collection method: clinical testing. Allele origin: germline.
Comment: This missense variant replaces arginine with glutamine at codon 361 of the BMPR1A protein. Computational prediction suggests that this variant may have deleterious impact on protein structure and function (internally defined REVEL score threshold >= 0.7, PMID: 27666373). To our knowledge, functional studies have not been reported for this variant. This variant has not been reported in individuals affected with hereditary cancer in the literature. This variant has not been identified in the general population by the Genome Aggregation Database (gnomAD). The available evidence is insufficient to determine the role of this variant in disease conclusively. Therefore, this variant is classified as a Variant of Uncertain Significance.

Sema4
Classification: Uncertain significance for Hereditary cancer-predisposing syndrome. Last evaluated: 2021-06-23. Review status: criteria provided, single submitter. Criteria: Sema4 Curation Guidelines. Collection method: curation. Allele origin: germline.
Comment: The BMPR1A c.1082G>A (p.R361Q) variant has not been reported in the literature to our knowledge. It was not observed in the large and broad cohorts of the Genome Aggregation Database. The variant has been reported in ClinVar (Variation ID 182070). In silico tools suggest the impact of the variant on protein function is deleterious, though these predictions have not been confirmed by functional studies. The evidence is insufficient to meet ACMG/AMP criteria for classifying the variant as benign or pathogenic. Thus, the clinical significance of this variant is currently uncertain.

Literature cited by the submitters: PubMed 39020067 (cited by Labcorp Genetics (formerly Invitae), Labcorp).